The following is an entry in ClinVar:

NM_001287.6(CLCN7):c.1138G>A (p.Ala380Thr)

Gene: CLCN7 (Cl-/H+ antiporter 7; minus strand). Cytogenetic location: 16p13.3.
Variant type: single nucleotide variant.
Coding change: c.1138G>A on transcript NM_001287.6 (MANE Select); coding-DNA position 1138, G replaced by A.
Protein change: p.Ala380Thr; replaces alanine 380 with threonine.
Molecular consequence: missense variant.
Genome position (GRCh38, 1-based): chr16:1,454,426, C>T on the plus strand (G>A on the coding strand, the complement: CLCN7 is on the minus strand). VCF-style: chr16-1454426-C-T. GRCh37 (hg19) VCF-style: chr16-1504427-C-T.
Other names: c.1138G>A (NM_001287.4); c.1066G>A, p.Ala356Thr (NM_001114331.3); short protein forms A356T, A380T.
Identifiers: ClinVar variation 887343 (VCV000887343.12), dbSNP rs553977226, ClinGen allele CA7810429.

ClinVar aggregate classification (germline): Conflicting classifications of pathogenicity. Review status: criteria provided, conflicting classifications (1 of 4 stars). 4 submissions from 4 submitters: Uncertain significance (3); Likely benign (1). Last evaluated 2025-12-17.

Conditions:
Osteopetrosis. Identifiers: Orphanet 2781, MedGen C0029454, MONDO:0017198, HP:0011002.
Inborn genetic diseases. Identifiers: MedGen C0950123, MeSH D030342.

Allele frequency attached by ClinVar (database versions not stated): gnomAD 0.00003 and 0.00005; 1000 Genomes Project 0.00020; gnomAD exomes 0.00003 and 0.00008; ExAC 0.00005; 1000 Genomes Project 30x 0.00016; TOPMed 0.00001.
gnomAD v4.1: 62 of 1,613,652 alleles (0.0038%); highest among the groups gnomAD compares: South Asian, 0.048%; no homozygotes.

Submissions (4):

Labcorp Genetics (formerly Invitae), Labcorp
Classification: Likely benign. Last evaluated: 2025-12-17. Review status: criteria provided, single submitter. Criteria: Invitae Variant Classification Sherloc (09022015). Collection method: clinical testing. Allele origin: germline.

Dasa
Classification: Uncertain significance. Last evaluated: 2025-12-12. Review status: criteria provided, single submitter. Criteria: DASA Assertion Criteria. Collection method: clinical testing. Allele origin: germline.
Comment: NM_001287.6(CLCN7):c.1138G>A (p.Ala380Thr) is a missense variant that results in the substitution of alanine with threonine. This variant is rare in population databases. The currently available literature and clinical evidence are not sufficient to establish a definitive association between this variant and the reported condition. Therefore, this variant is classified as a variant of uncertain significance.

Ambry Genetics
Classification: Uncertain significance for Inborn genetic diseases. Last evaluated: 2024-11-20. Review status: criteria provided, single submitter. Criteria: Ambry Variant Classification Scheme 2023. Collection method: clinical testing. Allele origin: germline.

Illumina Laboratory Services, Illumina
Classification: Uncertain significance for Osteopetrosis. Last evaluated: 2018-01-12. Review status: criteria provided, single submitter. Criteria: ICSL Variant Classification Criteria 13 December 2019. Collection method: clinical testing. Allele origin: germline.